The following is an entry in ClinVar:

ClinVar aggregate classification (germline): Likely benign. Review status: criteria provided, single submitter (1 of 4 stars). 2 submissions from 2 submitters: Likely benign (1). 1 of the submissions does not count toward it. Last evaluated 2023-06-14.

Conditions:
LIG4-related disorder. Also called: LIG4-related condition; LIG4-related disorders. Identifiers: MedGen CN239380.
DNA ligase IV deficiency. Identifiers: Orphanet 99812, MedGen C1847827, MONDO:0011686, OMIM 606593.

gnomAD v4.1: 4 of 1,614,098 alleles (0.00025%); highest among the groups gnomAD compares: Middle Eastern, 0.033%; no homozygotes.

Submissions (2):

Labcorp Genetics (formerly Invitae), Labcorp
Classification: Likely benign for DNA ligase IV deficiency. Last evaluated: 2023-06-14. Review status: criteria provided, single submitter. Criteria: Invitae Variant Classification Sherloc (09022015). Collection method: clinical testing. Allele origin: germline.

PreventionGenetics, part of Exact Sciences
Classification: Likely benign for LIG4-related condition. Last evaluated: 2023-03-30. Review status: no assertion criteria provided. Collection method: clinical testing. Allele origin: germline. Not counted in ClinVar's aggregate classification.
Comment: This variant is classified as likely benign based on ACMG/AMP sequence variant interpretation guidelines (Richards et al. 2015 PMID: 25741868, with internal and published modifications).

NM_206937.2(LIG4):c.1992T>C (p.Phe664=)

Gene: LIG4 (DNA ligase 4; minus strand). Cytogenetic location: 13q33.3.
Variant type: single nucleotide variant.
Coding change: c.1992T>C on transcript NM_206937.2 (MANE Select); coding-DNA position 1992, T replaced by C.
Protein change: p.Phe664=; no amino-acid change (phenylalanine 664 retained).
Molecular consequence: synonymous variant.
Genome position (GRCh38, 1-based): chr13:108,209,277, A>G on the plus strand (T>C on the coding strand, the complement: LIG4 is on the minus strand). VCF-style: chr13-108209277-A-G. GRCh37 (hg19) VCF-style: chr13-108861625-A-G.
Other names: c.1992T>C, p.Phe664= (NM_001098268.2, NM_001352598.2, NM_001352599.2 and 6 more transcripts); c.1791T>C, p.Phe597= (NM_001330595.2); c.2028T>C, p.Phe676= (NM_001352604.2).
Identifiers: ClinVar variation 2907200 (VCV002907200.5), dbSNP rs1399575079, ClinGen allele CA484975209.